The following is an entry in ClinVar:

NM_001098.3(ACO2):c.1901A>G (p.Asn634Ser)

Genes: ACO2 (aconitase 2; plus strand), POLR3H (RNA polymerase III subunit H; minus strand). Cytogenetic location: 22q13.2.
Variant type: single nucleotide variant.
Coding change: c.1901A>G on transcript NM_001098.3 (MANE Select); coding-DNA position 1901, A replaced by G.
Protein change: p.Asn634Ser; replaces asparagine 634 with serine.
Molecular consequence: missense variant. On other transcripts: 3 prime UTR variant (5).
Genome position (GRCh38, 1-based): chr22:41,526,401, A>G. VCF-style: chr22-41526401-A-G. GRCh37 (hg19) VCF-style: chr22-41922405-A-G.
Other names: c.*2882T>C (NM_001018050.4, NM_001018052.4, NM_001282884.2 and 2 more transcripts); short protein forms N634S.
Identifiers: ClinVar variation 3893299 (VCV003893299.1).
Genomic context (GRCh38, chr22:41,526,401, plus strand): 5'-CCAACAACCTGCTCATTGGTGCCATCAACATTGAAAACGGCAAGGCCAACTCCGTGCGCA[A>G]TGCCGTCACTCAGGAGTTTGGCCCCGTCCCTGACACTGCCCGCTACTACAAGGTGGGTCA-3'
Protein context (NP_001089.1, residues 624-644): IENGKANSVR[Asn634Ser]AVTQEFGPVP

ClinVar aggregate classification (germline): Uncertain significance (1 of 4 stars; one submission).

gnomAD v4.1: 8 of 1,613,752 alleles (0.0005%); highest among the groups gnomAD compares: African/African-American, 0.0013%; no homozygotes.

Submission:

GeneDx
Classification: Uncertain significance. Last evaluated: 2024-10-22. Review status: criteria provided, single submitter. Criteria: GeneDx Variant Classification Process June 2021. Collection method: clinical testing. Allele origin: germline. Affected: yes.
Comment: Not observed at significant frequency in large population cohorts (gnomAD); In silico analysis supports that this missense variant has a deleterious effect on protein structure/function; Has not been previously published as pathogenic or benign to our knowledge